The following is an entry in ClinVar:

NM_000744.7(CHRNA4):c.229-163T>C

Genes: CHRNA4 (cholinergic receptor nicotinic alpha 4 subunit; minus strand), LOC126863087 (P300/CBP strongly-dependent group 1 enhancer GRCh37_chr20:61986832-61988031; plus strand). Cytogenetic location: 20q13.33.
Variant type: single nucleotide variant.
Coding change: c.229-163T>C on transcript NM_000744.7 (MANE Select); 163 bases into the intron before coding-DNA position 229, T replaced by C.
Molecular consequence: intron variant.
Genome position (GRCh38, 1-based): chr20:63,356,578, A>G on the plus strand (T>C on the coding strand, the complement: CHRNA4 is on the minus strand). VCF-style: chr20-63356578-A-G. GRCh37 (hg19) VCF-style: chr20-61987930-A-G.
Other names: c.-318-163T>C (NM_001256573.2).
Identifiers: ClinVar variation 680274 (VCV000680274.2), dbSNP rs45449494, ClinGen allele CA14813091.
Genomic context (GRCh38, chr20:63,356,578, plus strand): 5'-AAGATATGGTGGACGGGCGACCTGTGGAGGGGGTGAGTGCCCCGTCCCTGGAGGCAGCCG[A>G]GCCCAGGATGGGGACTCTGAGGGGACCTAGGGATGTGGGGACAAGGCCACAAACATCTCC-3'

ClinVar aggregate classification (germline): Benign. Review status: criteria provided, multiple submitters, no conflicts (2 of 4 stars). 2 submissions from 2 submitters: Benign (2). Last evaluated 2018-06-19.

Allele frequency attached by ClinVar (database versions not stated): TOPMed 0.05039; 1000 Genomes Project 30x 0.05450; 1000 Genomes Project 0.05811; gnomAD 0.05917 and 0.06196; gnomAD exomes 0.07604.
gnomAD v4.1: 51,825 of 713,148 alleles (7.3%); highest among the groups gnomAD compares: South Asian, 12%; 2,415 homozygotes.

Submissions (2):

GeneDx
Classification: Benign. Last evaluated: 2018-06-19. Review status: criteria provided, single submitter. Criteria: GeneDx Variant Classification (06012015). Collection method: clinical testing. Allele origin: germline. Affected: yes.
Comment: This variant is considered likely benign or benign based on one or more of the following criteria: it is a conservative change, it occurs at a poorly conserved position in the protein, it is predicted to be benign by multiple in silico algorithms, and/or has population frequency not consistent with disease.

Breakthrough Genomics
Classification: Benign. Review status: criteria provided, single submitter. Criteria: ACMG Guidelines, 2015. Collection method: not provided. Allele origin: germline. Inheritance: Autosomal dominant inheritance. Affected: yes.